The following is an entry in ClinVar:

ClinVar aggregate classification (germline): Uncertain significance (1 of 4 stars; one submission).

Allele frequency attached by ClinVar (database versions not stated): ExAC 0.00001; gnomAD 0.00001.
gnomAD v4.1: 4 of 1,612,732 alleles (0.00025%); highest among the groups gnomAD compares: African/African-American, 0.0013%; no homozygotes.

Submission:

Labcorp Genetics (formerly Invitae), Labcorp
Classification: Uncertain significance. Last evaluated: 2022-02-12. Review status: criteria provided, single submitter. Criteria: Invitae Variant Classification Sherloc (09022015). Collection method: clinical testing. Allele origin: germline.
Comment: This sequence change replaces arginine, which is basic and polar, with tryptophan, which is neutral and slightly polar, at codon 173 of the VPS11 protein (p.Arg173Trp). The frequency data for this variant in the population databases is considered unreliable, as metrics indicate poor data quality at this position in the gnomAD database. This variant has not been reported in the literature in individuals affected with VPS11-related conditions. Experimental studies and prediction algorithms are not available or were not evaluated, and the functional significance of this variant is currently unknown. In summary, the available evidence is currently insufficient to determine the role of this variant in disease. Therefore, it has been classified as a Variant of Uncertain Significance.

NM_021729.6(VPS11):c.517C>T (p.Arg173Trp)

Gene: VPS11 (VPS11 core subunit of CORVET and HOPS complexes; plus strand). Cytogenetic location: 11q23.3.
Variant type: single nucleotide variant.
Coding change: c.517C>T on transcript NM_021729.6 (MANE Select); coding-DNA position 517, C replaced by T.
Protein change: p.Arg173Trp; replaces arginine 173 with tryptophan.
Molecular consequence: missense variant. On other transcripts: non-coding transcript variant (8).
Genome position (GRCh38, 1-based): chr11:119,070,278, C>T. VCF-style: chr11-119070278-C-T. GRCh37 (hg19) VCF-style: chr11-118940988-C-T.
Other names: c.487C>T, p.Arg163Trp (NM_001290185.2); c.529C>T, p.Arg177Trp (NM_001378218.1); c.517C>T, p.Arg173Trp (NM_001378219.1, NM_001378220.1); c.499C>T, p.Arg167Trp (NM_001378221.1); short protein forms R167W, R173W, R177W, R163W.
Identifiers: ClinVar variation 1962376 (VCV001962376.2), dbSNP rs782009208, ClinGen allele CA6313213.
Genomic context (GRCh38, chr11:119,070,278, plus strand): 5'-TCTTGTTTTCTTACAGGTTTCACAGATGGCAGTGTTACATTGAACAAAGGAGACATCACC[C>T]GGGACCGGCATAGCAAGACCCAGATTTTGCACAAGGGCAACTATCCTGTAACTGGATTGG-3'
Protein context (NP_068375.3, residues 163-183): SVTLNKGDIT[Arg173Trp]DRHSKTQILH